The following is an entry in ClinVar:

ClinVar aggregate classification (germline): Uncertain significance (1 of 4 stars; one submission).

Conditions:
Long QT syndrome (LQTS). Identifiers: MedGen C0023976, MeSH D008133, MONDO:0002442. Disease mechanism: loss of function. Inheritance: Various modes of inheritance.

Submission:

Labcorp Genetics (formerly Invitae), Labcorp
Classification: Uncertain significance for Long QT syndrome. Last evaluated: 2021-01-01. Review status: criteria provided, single submitter. Criteria: Invitae Variant Classification Sherloc (09022015). Collection method: clinical testing. Allele origin: germline.
Comment: In summary, the available evidence is currently insufficient to determine the role of this variant in disease. Therefore, it has been classified as a Variant of Uncertain Significance. Algorithms developed to predict the effect of missense changes on protein structure and function are either unavailable or do not agree on the potential impact of this missense change (SIFT: "Not Available"; PolyPhen-2: "Possibly Damaging"; Align-GVGD: "Not Available"). This variant has not been reported in the literature in individuals with KCNH2-related conditions. The frequency data for this variant in the population databases is considered unreliable, as metrics indicate insufficient coverage at this position in the ExAC database. This sequence change replaces arginine with histidine at codon 301 of the KCNH2 protein (p.Arg301His). The arginine residue is highly conserved and there is a small physicochemical difference between arginine and histidine.

NM_000238.4(KCNH2):c.902_903delinsAT (p.Arg301His)

Gene: KCNH2 (potassium voltage-gated channel subfamily H member 2; minus strand). Cytogenetic location: 7q36.1.
Variant type: Indel.
Coding change: c.902_903delinsAT on transcript NM_000238.4 (MANE Select); coding-DNA positions 902 to 903, GC replaced by AT.
Protein change: p.Arg301His; replaces arginine 301 with histidine.
Molecular consequence: missense variant.
Genome position (GRCh38, 1-based): chr7:150,958,072-150,958,073, GC replaced by AT on the plus strand (GC replaced by AT on the coding strand, the reverse complement: KCNH2 is on the minus strand). VCF-style: chr7-150958072-GC-AT. GRCh37 (hg19) VCF-style: chr7-150655160-GC-AT.
Other names: c.614_615delGCinsAT, p.Arg205His (NM_001406753.1, NM_001406756.1); c.725_726delGCinsAT, p.Arg242His (NM_001406755.1); c.602_603delGCinsAT, p.Arg201His (NM_001406757.1); c.902_903delGCinsAT, p.Arg301His (NM_172056.3); short protein forms R301H, R205H, R242H, R201H.
Identifiers: ClinVar variation 1392827 (VCV001392827.7), dbSNP rs2117002522, ClinGen allele CA2573141813.